The following is an entry in ClinVar:

NM_017802.4(DNAAF5):c.1487G>A (p.Arg496His)

Gene: DNAAF5 (dynein axonemal assembly factor 5; plus strand). Cytogenetic location: 7p22.3.
Variant type: single nucleotide variant.
Coding change: c.1487G>A on transcript NM_017802.4 (MANE Select); coding-DNA position 1487, G replaced by A.
Protein change: p.Arg496His; replaces arginine 496 with histidine.
Molecular consequence: missense variant. On other transcripts: non-coding transcript variant (1).
Genome position (GRCh38, 1-based): chr7:761,769, G>A. VCF-style: chr7-761769-G-A. GRCh37 (hg19) VCF-style: chr7-801406-G-A.
Other names: short protein forms R496H.
Identifiers: ClinVar variation 410306 (VCV000410306.11), dbSNP rs149610399, ClinGen allele CA4110763.

ClinVar aggregate classification (germline): Conflicting classifications of pathogenicity. Review status: criteria provided, conflicting classifications (1 of 4 stars). 5 submissions from 5 submitters: Uncertain significance (4); Likely benign (1). Last evaluated 2024-10-21.

Conditions:
Primary ciliary dyskinesia 18. Also called: CILIARY DYSKINESIA, PRIMARY, 18, WITH OR WITHOUT SITUS INVERSUS. Identifiers: Orphanet 244, MedGen C3543825, MONDO:0013940, OMIM 614874.
Primary ciliary dyskinesia. Also called: Ciliary dyskinesia. Identifiers: Orphanet 244, MedGen C0008780, MONDO:0016575, HP:0012265.

Allele frequency attached by ClinVar (database versions not stated): gnomAD 0.00005; ESP Exome Variant Server 0.00008; TOPMed 0.00009; gnomAD exomes 0.00019; ExAC 0.00036.
gnomAD v4.1: 138 of 1,606,460 alleles (0.0086%); highest among the groups gnomAD compares: Middle Eastern, 0.46%; no homozygotes.

Submissions (5):

Labcorp Genetics (formerly Invitae), Labcorp
Classification: Uncertain significance for Primary ciliary dyskinesia. Last evaluated: 2024-10-21. Review status: criteria provided, single submitter. Criteria: Invitae Variant Classification Sherloc (09022015). Collection method: clinical testing. Allele origin: germline.
Comment: This sequence change replaces arginine, which is basic and polar, with histidine, which is basic and polar, at codon 496 of the DNAAF5 protein (p.Arg496His). This variant is present in population databases (rs149610399, gnomAD 0.1%). This variant has not been reported in the literature in individuals affected with DNAAF5-related conditions. ClinVar contains an entry for this variant (Variation ID: 410306). Invitae Evidence Modeling of protein sequence and biophysical properties (such as structural, functional, and spatial information, amino acid conservation, physicochemical variation, residue mobility, and thermodynamic stability) indicates that this missense variant is not expected to disrupt DNAAF5 protein function with a negative predictive value of 80%. In summary, the available evidence is currently insufficient to determine the role of this variant in disease. Therefore, it has been classified as a Variant of Uncertain Significance.

Ambry Genetics
Classification: Likely benign for Primary ciliary dyskinesia. Last evaluated: 2022-05-04. Review status: criteria provided, single submitter. Criteria: Ambry Variant Classification Scheme 2023. Collection method: clinical testing. Allele origin: germline.

Baylor Genetics
Classification: Uncertain significance for Primary ciliary dyskinesia 18. Last evaluated: 2019-08-13. Review status: criteria provided, single submitter. Criteria: ACMG Guidelines, 2015. Collection method: clinical testing. Allele origin: unknown. Affected: yes.
Comment: This variant was determined to be of uncertain significance according to ACMG Guidelines, 2015 [PMID:25741868].

Fulgent Genetics
Classification: Uncertain significance for Primary ciliary dyskinesia 18. Last evaluated: 2018-10-31. Review status: criteria provided, single submitter. Criteria: ACMG Guidelines, 2015. Collection method: clinical testing. Allele origin: unknown.

Breakthrough Genomics
Classification: Uncertain significance. Review status: criteria provided, single submitter. Criteria: ACMG Guidelines, 2015. Collection method: not provided. Allele origin: germline. Inheritance: Autosomal recessive inheritance. Affected: yes.